The following is an entry in ClinVar:

NM_000414.4(HSD17B4):c.350A>T (p.Asp117Val)

Gene: HSD17B4 (hydroxysteroid 17-beta dehydrogenase 4; plus strand). Cytogenetic location: 5q23.1.
Variant type: single nucleotide variant.
Coding change: c.350A>T on transcript NM_000414.4 (MANE Select); coding-DNA position 350, A replaced by T.
Protein change: p.Asp117Val; replaces aspartic acid 117 with valine.
Molecular consequence: missense variant. On other transcripts: 5 prime UTR variant (5), non-coding transcript variant (2).
Genome position (GRCh38, 1-based): chr5:119,477,417, A>T. VCF-style: chr5-119477417-A-T. GRCh37 (hg19) VCF-style: chr5-118813112-A-T.
Other names: c.425A>T, p.Asp142Val (NM_001199291.3); c.296A>T, p.Asp99Val (NM_001199292.2); c.278A>T, p.Asp93Val (NM_001292027.2); c.-62A>T (NM_001292028.2, NM_001374501.1, NM_001374502.1 and 1 more transcripts); c.350A>T, p.Asp117Val (NM_001374497.1, NM_001374498.1); c.23A>T, p.Asp8Val (NM_001374499.1); c.-189A>T (NM_001374500.1); c.350A>T (NM_000414.3); short protein forms D117V, D142V, D8V, D93V, D99V.
Identifiers: ClinVar variation 2676145 (VCV002676145.4), dbSNP rs1447689394, ClinGen allele CA360865038.
Genomic context (GRCh38, chr5:119,477,417, plus strand): 5'-GATTCTTAGACATGCCTAAGTTTTTACAAAATATTTAATAAAAATAATTTATTGTTTTAG[A>T]TATAATCCACAGAGTTCATTTGCGGGGTTCATTCCAAGTGACACGGGCAGCATGGGAACA-3'
Protein context (NP_000405.1, residues 107-127): SFARISDEDW[Asp117Val]IIHRVHLRGS

ClinVar aggregate classification (germline): Pathogenic/Likely pathogenic. Review status: criteria provided, multiple submitters, no conflicts (2 of 4 stars). 4 submissions from 4 submitters: Pathogenic (1); Likely pathogenic (3). Last evaluated 2025-11-14.

Conditions:
Bifunctional peroxisomal enzyme deficiency (DBIF). Also called: D-bifunctional protein deficiency; DBP DEFICIENCY; PBFE DEFICIENCY. Identifiers: Orphanet 300, MedGen C0342870, MONDO:0009855, OMIM 261515. Disease mechanism: loss of function.

Allele frequency attached by ClinVar (database versions not stated): gnomAD exomes below 0.00001; TOPMed below 0.00001.
gnomAD v4.1: 6 of 1,596,286 alleles (0.00038%); highest among the groups gnomAD compares: East Asian, 0.013%; no homozygotes.

Submissions (4):

Myriad Genetics, Inc.
Classification: Likely pathogenic for Bifunctional peroxisomal enzyme deficiency. Last evaluated: 2025-11-14. Review status: criteria provided, single submitter. Criteria: Myriad Autosomal Dominant, Autosomal Recessive and X-Linked Classification Criteria (2023). Collection method: clinical testing. Allele origin: unknown.
Comment: NM_000414.3(HSD17B4):c.350A>T(D117V) is a missense variant classified as likely pathogenic in the context of HSD17B4-related disorders. D117V has been observed in cases with relevant disease (PMID: 34660840, 36511274, Shioda_2013_(article), 33045774, 37645600). Relevant functional assessments of this variant are not available in the literature. D117V has been observed in referenced population frequency databases. In summary, NM_000414.3(HSD17B4):c.350A>T(D117V) is a missense variant that has been observed more frequently in cases with the relevant disease than in healthy populations. Please note: this variant was assessed in the context of healthy population screening.

Women's Health and Genetics/Laboratory Corporation of America, LabCorp
Classification: Likely pathogenic for Bifunctional peroxisomal enzyme deficiency. Last evaluated: 2025-10-14. Review status: criteria provided, single submitter. Criteria: LabCorp Variant Classification Summary - May 2015. Collection method: clinical testing. Allele origin: germline.
Comment: Variant summary: HSD17B4 c.350A>T (p.Asp117Val) results in a non-conservative amino acid change in the encoded protein sequence. Algorithms developed to predict the effect of missense changes on protein structure and function all suggest that this variant is likely to be disruptive. Several computational tools predict a significant impact on normal splicing: Three predict the variant weakens a 3' acceptor site. However, these predictions have yet to be confirmed by functional studies. The variant allele was found at a frequency of 8e-06 in 250326 control chromosomes (gnomAD). c.350A>T has been observed in individuals affected with clinical features of D-Bifunctional Protein Deficiency (Bae_2020, Yamamoto_2021, Ko_2023). These data indicate that the variant may be associated with disease. To our knowledge, no experimental evidence demonstrating an impact on protein function has been reported. The following publications have been ascertained in the context of this evaluation (PMID: 33045774, 36544340, 37645600, 34660840, 39433808). ClinVar contains an entry for this variant (Variation ID: 2676145). Based on the evidence outlined above, the variant was classified as likely pathogenic.

Natera, Inc.
Classification: Likely pathogenic for Bifunctional peroxisomal enzyme deficiency. Last evaluated: 2025-05-18. Review status: criteria provided, single submitter. Criteria: Natera Variant Classification Schema (03/2026). Collection method: clinical testing. Allele origin: germline.
Comment: The c.350A>T variant in HSD17B4 is a missense variant predicted to cause substitution of aspartic acid to valine at amino acid 117. This variant is rare in the general population with a frequency below the threshold expected for the associated phenotype(s). This variant has been observed in one or more individuals affected with the associated recessive disease, as either homozygous or compound heterozygous with a second variant (PMID: 34660840, 36511274). Computational prediction algorithms indicate this variant is likely to affect gene or protein function. Given the available evidence, this variant is classified as Likely Pathogenic.

Baylor Genetics
Classification: Pathogenic for Bifunctional peroxisomal enzyme deficiency. Last evaluated: 2023-08-29. Review status: criteria provided, single submitter. Criteria: ACMG Guidelines, 2015. Collection method: clinical testing. Allele origin: unknown.

Literature cited by the submitters: PubMed 34660840 (cited by Women's Health and Genetics/Laboratory Corporation of America, LabCorp and Natera, Inc.); PubMed 36544340 (cited by Women's Health and Genetics/Laboratory Corporation of America, LabCorp); PubMed 37645600 (cited by Women's Health and Genetics/Laboratory Corporation of America, LabCorp); PubMed 33045774 (cited by Women's Health and Genetics/Laboratory Corporation of America, LabCorp); PubMed 39433808 (cited by Women's Health and Genetics/Laboratory Corporation of America, LabCorp); PubMed 36511274 (cited by Natera, Inc.).